The following is an entry in ClinVar:

ClinVar aggregate classification (germline): Uncertain significance. Review status: criteria provided, multiple submitters, no conflicts (2 of 4 stars). 4 submissions from 4 submitters: Uncertain significance (4). Last evaluated 2025-12-29.

Conditions:
Familial cancer of breast. Also called: BREAST CANCER, FAMILIAL; hereditary breast carcinoma; Hereditary breast cancer. Identifiers: Orphanet 227535, MedGen C0346153, MONDO:0016419, OMIM 114480. Disease mechanism: loss of function.
Hereditary cancer-predisposing syndrome. Also called: Neoplastic Syndromes, Hereditary; Tumor predisposition; Hereditary Cancer Syndrome; Hereditary neoplastic syndrome. Identifiers: Orphanet 140162, MedGen C0027672, MeSH D009386, MONDO:0015356.

Allele frequency attached by ClinVar (database versions not stated): TOPMed below 0.00001; gnomAD exomes 0.00003 and 0.00004; ExAC 0.00007.
gnomAD v4.1: 18 of 1,613,684 alleles (0.0011%); highest among the groups gnomAD compares: Non-Finnish European, 0.0015%; no homozygotes.

Submissions (4):

Center for Genomic Medicine, Rigshospitalet, Copenhagen University Hospital
Classification: Uncertain significance. Last evaluated: 2025-12-29. Review status: criteria provided, single submitter. Criteria: ACMG Guidelines, 2015. Collection method: clinical testing. Allele origin: germline.

Ambry Genetics
Classification: Uncertain significance for Hereditary cancer-predisposing syndrome. Last evaluated: 2025-08-20. Review status: criteria provided, single submitter. Criteria: Ambry Variant Classification Scheme 2023. Collection method: clinical testing. Allele origin: germline.
Comment: The p.N549S variant (also known as c.1646A>G), located in coding exon 7 of the BARD1 gene, results from an A to G substitution at nucleotide position 1646. The asparagine at codon 549 is replaced by serine, an amino acid with highly similar properties. This amino acid position is not well conserved in available vertebrate species. In addition, this alteration is predicted to be tolerated by in silico analysis. Since supporting evidence is limited at this time, the clinical significance of this alteration remains unclear.

Labcorp Genetics (formerly Invitae), Labcorp
Classification: Uncertain significance for Familial cancer of breast. Last evaluated: 2025-04-30. Review status: criteria provided, single submitter. Criteria: Invitae Variant Classification Sherloc (09022015). Collection method: clinical testing. Allele origin: germline.
Comment: This sequence change replaces asparagine, which is neutral and polar, with serine, which is neutral and polar, at codon 549 of the BARD1 protein (p.Asn549Ser). This variant is present in population databases (rs755346126, gnomAD 0.008%). This variant has not been reported in the literature in individuals affected with BARD1-related conditions. ClinVar contains an entry for this variant (Variation ID: 460716). An algorithm developed to predict the effect of missense changes on protein structure and function outputs the following: PolyPhen-2: "Benign". The serine amino acid residue is found in multiple mammalian species, which suggests that this missense change does not adversely affect protein function. In summary, the available evidence is currently insufficient to determine the role of this variant in disease. Therefore, it has been classified as a Variant of Uncertain Significance.

Color Diagnostics, LLC DBA Color Health
Classification: Uncertain significance for Hereditary cancer-predisposing syndrome. Last evaluated: 2023-12-05. Review status: criteria provided, single submitter. Criteria: ACMG Guidelines, 2015. Collection method: clinical testing. Allele origin: germline.
Comment: This missense variant replaces asparagine with serine at codon 549 of the BARD1 protein. Computational prediction suggests that this variant may not impact protein structure and function (internally defined REVEL score threshold <= 0.5, PMID: 27666373). To our knowledge, functional studies have not been reported for this variant. This variant has not been reported in individuals affected with BARD1-related disorders in the literature. This variant has been identified in 9/251376 chromosomes in the general population by the Genome Aggregation Database (gnomAD). The available evidence is insufficient to determine the role of this variant in disease conclusively. Therefore, this variant is classified as a Variant of Uncertain Significance.

NM_000465.4(BARD1):c.1646A>G (p.Asn549Ser)

Gene: BARD1 (BRCA1 associated RING domain 1; minus strand). Cytogenetic location: 2q35.
Variant type: single nucleotide variant.
Coding change: c.1646A>G on transcript NM_000465.4 (MANE Select); coding-DNA position 1646, A replaced by G.
Protein change: p.Asn549Ser; replaces asparagine 549 with serine.
Molecular consequence: missense variant. On other transcripts: non-coding transcript variant (3), intron variant (1).
Genome position (GRCh38, 1-based): chr2:214,752,478, T>C on the plus strand (A>G on the coding strand, the complement: BARD1 is on the minus strand). VCF-style: chr2-214752478-T-C. GRCh37 (hg19) VCF-style: chr2-215617202-T-C.
Other names: c.1646A>G (NM_000465.2); c.1589A>G, p.Asn530Ser (NM_001282543.2); c.293A>G, p.Asn98Ser (NM_001282545.2); c.236A>G, p.Asn79Ser (NM_001282548.2); c.365-21970A>G (NM_001282549.2); short protein forms N549S, N530S, N79S, N98S.
Identifiers: ClinVar variation 460716 (VCV000460716.20), dbSNP rs755346126, ClinGen allele CA2090206.